The following is an entry in ClinVar:

ClinVar aggregate classification (germline): Pathogenic. Review status: criteria provided, multiple submitters, no conflicts (2 of 4 stars). 17 submissions from 17 submitters: Pathogenic (15). 2 of the submissions do not count toward it. Last evaluated 2026-09-17.

Conditions:
Osteogenesis imperfecta, perinatal lethal (OI2). Also called: OI, TYPE II; OSTEOGENESIS IMPERFECTA CONGENITA; VROLIK TYPE OF OSTEOGENESIS IMPERFECTA; OSTEOGENESIS IMPERFECTA, TYPE II; Osteogenesis imperfecta, dominant perinatal lethal; Osteogenesis imperfecta type 2. Identifiers: Orphanet 216804, MedGen C0268358, MONDO:0008147, OMIM 166210.
Osteogenesis imperfecta type III (OI3). Also called: Progressively Deforming Osteogenesis Imperfecta; Osteogenesis imperfecta type 3; OI type 3; Osteogenesis imperfecta, progressively deforming with normal sclerae; OI type III. Identifiers: Orphanet 216812, Orphanet 666, MedGen C0268362, MONDO:0009804, OMIM 259420.
Osteoporosis. Identifiers: MedGen C0029456, MONDO:0005298, OMIM 166710, HP:0000939.
Ehlers-Danlos syndrome, arthrochalasia type. Also called: Ehlers-Danlos syndrome, arthrochalasia type, 1; ARTHROCHALASIS MULTIPLEX CONGENITA; EDS VII, MUTANT PROCOLLAGEN TYPE; EDS VIIA; Ehlers-Danlos syndrome, arthrochalasis type. Identifiers: Orphanet 1899, Orphanet 99875, Orphanet 99876, MedGen C4551623, MONDO:0007525, OMIM 130060.
Combined osteogenesis imperfecta and Ehlers-Danlos syndrome 1. Also called: OIEDS SYNDROME 1. Identifiers: MedGen C5436842, MONDO:0030854, OMIM 619115.
Infantile cortical hyperostosis. Also called: Hyperostosis, Cortical, Congenital; P1PK BLOOD GROUP SYSTEM, P(2) PHENOTYPE; Caffey Disease. Identifiers: Orphanet 1310, MedGen C0020497, MONDO:0007244, OMIM 114000.
Osteogenesis imperfecta with normal sclerae, dominant form (OI4). Also called: OSTEOGENESIS IMPERFECTA WITH NORMAL SCLERAE; Osteogenesis imperfecta type 4; OSTEOGENESIS IMPERFECTA, TYPE IV, WITH DENTINOGENESIS IMPERFECTA; Common Variable Osteogenesis Imperfecta with Normal Sclerae; Osteogenesis Imperfecta Type IV. Identifiers: Orphanet 216820, Orphanet 666, MedGen C0268363, MONDO:0008148, OMIM 166220.
Osteogenesis imperfecta type I (OI1). Also called: OI, TYPE I; OSTEOGENESIS IMPERFECTA TARDA; OSTEOGENESIS IMPERFECTA WITH BLUE SCLERAE; Osteogenesis imperfecta type 1; Classic Non-deforming Osteogenesis Imperfecta with Blue Sclerae; Lobstein's Disease. Identifiers: Orphanet 216796, Orphanet 666, MedGen C0023931, MONDO:0008146, OMIM 166200. Disease mechanism: loss of function.
COL1A1-related disorder. Also called: COL1A1-related condition; COL1A1- related disease.
Osteogenesis imperfecta (OI). Identifiers: Orphanet 666, MedGen C0029434, MeSH D010013, MONDO:0019019.

Allele frequency attached by ClinVar (database versions not stated): gnomAD exomes below 0.00001.

Submissions 1 to 7 of 17:

PreventionGenetics, part of Exact Sciences
Classification: Pathogenic for COL1A1-related condition. Last evaluated: 2026-09-17. Review status: criteria provided, single submitter. Criteria: ACMG Guidelines, 2015. Collection method: clinical testing. Allele origin: germline.
Comment: The COL1A1 c.769G>A variant is predicted to result in the amino acid substitution p.Gly257Arg. This variant has been repeatedly reported to be causative for osteogenesis imperfecta (see for example: reported as p.Gly79Arg, Redford-Badwal et al. 1996. PubMed ID: 8613526; Additional file 1, Swinnen et al. 2011. PubMed ID: 22206639; Zhang et al. 2012. PubMed ID: 21667357; Malfait et al. 2013. PubMed ID: 23692737; Lin et al. 2015. PubMed ID: 26627451). The p.Gly79 amino acid is located in the conserved Gly-Xaa-Yaa triple helical domain where substitutions of a glycine are usually pathogenic (Marini et al. 2007. PubMed ID: 17078022). This variant has not been reported in a large population database, indicating this variant is rare. This variant is interpreted as pathogenic.

MVZ Martinsried, Medicover Genetics
Classification: Pathogenic for Osteogenesis imperfecta type I. Last evaluated: 2026-04-08. Review status: criteria provided, single submitter. Criteria: ACGS Guidelines, 2020. Collection method: clinical testing. Allele origin: unknown. Affected: yes. Observed: 1 heterozygote.

Dasa
Classification: Pathogenic. Last evaluated: 2026-03-26. Review status: criteria provided, single submitter. Criteria: DASA Assertion Criteria. Collection method: clinical testing. Allele origin: germline.
Comment: NM_000088.4(COL1A1):c.769G>A (p.Gly257Arg) is a missense variant that results in the substitution of glycine with arginine. Functional evidence supports a deleterious effect on the gene or gene product (PMID: 8613526; PMID: 21667357; PMID: 22206639; PMID: 23692737; PMID: 26627451). This variant has been recurrently observed in individuals with related phenotype (PMID: 8613526; PMID: 21667357; PMID: 22206639; PMID: 23692737; PMID: 26627451). Multiple computational predictions support a deleterious effect on the gene or gene product. The variant is present at low frequency in population datasets. Based on the available data, this variant is classified as pathogenic.

Labcorp Genetics (formerly Invitae), Labcorp
Classification: Pathogenic for Osteogenesis imperfecta type I. Last evaluated: 2026-01-26. Review status: criteria provided, single submitter. Criteria: Invitae Variant Classification Sherloc (09022015). Collection method: clinical testing. Allele origin: germline.
Comment: This sequence change replaces glycine, which is neutral and non-polar, with arginine, which is basic and polar, at codon 257 of the COL1A1 protein (p.Gly257Arg). This variant is not present in population databases (gnomAD no frequency). This missense change has been observed in individuals with osteogenesis imperfecta (PMID: 8613526, 21667357, 22206639, 23692737, 26627451). This variant is also known as 888G>A (helical codon 79 Gly to Arg). ClinVar contains an entry for this variant (Variation ID: 425639). Invitae Evidence Modeling of protein sequence and biophysical properties (such as structural, functional, and spatial information, amino acid conservation, physicochemical variation, residue mobility, and thermodynamic stability) indicates that this missense variant is expected to disrupt COL1A1 protein function with a positive predictive value of 95%. This variant disrupts the triple helix domain of COL1A1. Glycine residues within the Gly-Xaa-Yaa repeats of the triple helix domain are required for the structure and stability of fibrillar collagens (PMID: 7695699, 8218237, 19344236). In COL1A1, variants affecting these glycine residues are significantly enriched in individuals with disease (PMID: 9016532, 17078022) compared to the general population (ExAC). For these reasons, this variant has been classified as Pathogenic.

Clinical Biomedical Laboratory, Shriners Hospital For Children - Canada
Classification: Pathogenic for Osteogenesis imperfecta type I. Last evaluated: 2025-07-16. Review status: criteria provided, single submitter. Criteria: ACMG Guidelines, 2015. Collection method: clinical testing. Allele origin: germline. Affected: yes.
Comment: This variant is predicted to substitute a glycine residue by an arginine residue in the alpha 1 chain of collagen type I. Glycine substitutions in the triple helical domain of collagen type I cause disruption in the formation of the triple helix in the collagen molecule and are a typical cause of osteogenesis imperfecta. This variant is absent from Genome Aggregation Database v2.1.1, indicating it is very rare. This variant has been reported in the literature (PMID: 27509835). We have observed this variant in the Shriners Hospital for Children variant database in six unrelated individuals with a diagnosis of osteogenesis imperfecta type I. Computational tools (REVEL: 1.00) suggest that the variant is deleterious.

ARUP Laboratories, Molecular Genetics and Genomics, ARUP Laboratories
Classification: Pathogenic. Last evaluated: 2025-02-03. Review status: criteria provided, single submitter. Criteria: ARUP Molecular Germline Variant Investigation Process 2024. Collection method: clinical testing. Allele origin: germline.
Comment: The COL1A1 c.769G>A; p.Gly257Arg variant (rs72645321), also called Gly79Arg in traditional nomenclature, is reported in the literature in numerous individuals affected with osteogenesis imperfecta (Higuchi 2021, Maioli 2019, Redford-Badwal 1996, Swinnen 2011, Zhang 2016, Zhytnik 2019). This variant is absent from general population databases (Exome Variant Server, Genome Aggregation Database), indicating it is not a common polymorphism. The glycine at codon 257 is highly conserved, and computational analyses predict that this variant is deleterious (REVEL: 0.996). This codon is located in a Gly-X-Y triple helix repeat domain, and glycine substitutions are the most frequent pathogenic alterations in this region (Ben Amor 2011). Based on available information, this variant is classified as pathogenic. References: Ben Amor I et al. Genotype-phenotype correlations in autosomal dominant osteogenesis imperfecta. J Osteoporos. 2011; 2011:540178. PMID: 21912751. Higuchi et al. Genetic analysis in Japanese patients with osteogenesis imperfecta: Genotype and phenotype spectra in 96 probands. Mol Genet Genomic Med. 2021 Jun;9(6):e1675. PMID: 33939306. Maioli et al. Genotype-phenotype correlation study in 364 osteogenesis imperfecta Italian patients. Eur J Hum Genet. 2019 Jul;27(7):1090-1100. PMID: 30886339. Redford-Badwal et al. Nuclear retention of COL1A1 messenger RNA identifies null alleles causing mild osteogenesis imperfecta. J Clin Invest. 1996 Feb 15;97(4):1035-40. PMID: 8613526. Swinnen et al. Osteogenesis Imperfecta: the audiological phenotype lacks correlation with the genotype. Orphanet J Rare Dis. 2011 Dec 29;6:88. PMID: 22206639. Zhang et al. Clinical characteristics and the identification of novel mutations of COL1A1 and COL1A2 in 61 Chinese patients with osteogenesis imperfecta. Mol Med Rep. 2016 Nov;14(5):4918-4926. PMID: 27748872. Zhytnik et al. COL1A1/2 Pathogenic Variants and Phenotype Characteristics in Ukrainian Osteogenesis Imperfecta Patients. Front Genet. 2019 Aug 9;10:722. PMID: 31447884.

Blueprint Genetics
Classification: Pathogenic for COL1A1-related disorders. Last evaluated: 2024-09-10. Review status: criteria provided, single submitter. Criteria: ACMG Guidelines, 2015. Collection method: clinical testing. Allele origin: germline. Affected: yes. Observed: 5 variant alleles.

NM_000088.4(COL1A1):c.769G>A (p.Gly257Arg)

Genes: COL1A1 (collagen type I alpha 1 chain; minus strand), LOC126862586 (CDK7 strongly-dependent group 2 enhancer GRCh37_chr17:48273702-48274901; plus strand). Cytogenetic location: 17q21.33.
Variant type: single nucleotide variant.
Coding change: c.769G>A on transcript NM_000088.4 (MANE Select); coding-DNA position 769, G replaced by A.
Protein change: p.Gly257Arg; replaces glycine 257 with arginine.
Molecular consequence: missense variant.
Genome position (GRCh38, 1-based): chr17:50,197,045, C>T on the plus strand (G>A on the coding strand, the complement: COL1A1 is on the minus strand). VCF-style: chr17-50197045-C-T. GRCh37 (hg19) VCF-style: chr17-48274406-C-T.
Other names: c.769G>A (LRG_1t1); short protein forms G257R.
Identifiers: ClinVar variation 425639 (VCV000425639.32), dbSNP rs72645321, ClinGen allele CA291547584.